The following is an entry in ClinVar:

NM_024577.4(SH3TC2):c.3315G>A (p.Val1105=)

Gene: SH3TC2 (SH3 domain and tetratricopeptide repeats 2; minus strand). Cytogenetic location: 5q32.
Variant type: single nucleotide variant.
Coding change: c.3315G>A on transcript NM_024577.4 (MANE Select); coding-DNA position 3315, G replaced by A.
Protein change: p.Val1105=; no amino-acid change (valine 1105 retained).
Molecular consequence: synonymous variant.
Genome position (GRCh38, 1-based): chr5:149,010,282, C>T on the plus strand (G>A on the coding strand, the complement: SH3TC2 is on the minus strand). VCF-style: chr5-149010282-C-T. GRCh37 (hg19) VCF-style: chr5-148389845-C-T.
Other names: p.Val1105=.
Identifiers: ClinVar variation 215924 (VCV000215924.45), dbSNP rs375970910, ClinGen allele CA339546.

ClinVar aggregate classification (germline): Conflicting classifications of pathogenicity. Review status: criteria provided, conflicting classifications (1 of 4 stars). 11 submissions from 10 submitters: Uncertain significance (1); Likely benign (10). Last evaluated 2026-04-01.

Conditions:
SH3TC2-related disorder. Also called: SH3TC2-related condition; SH3TC2-related disorders. Identifiers: MedGen CN239303.
Inborn genetic diseases. Identifiers: MedGen C0950123, MeSH D030342.
Charcot-Marie-Tooth disease type 4. Also called: Charcot-Marie-Tooth disease, type IV; Charcot-Marie-Tooth, Type 4. Identifiers: Orphanet 64749, MedGen C4082197, MONDO:0018995.
Charcot-Marie-Tooth disease. Also called: Charcot-Marie-Tooth Hereditary Neuropathy; Charcot-Marie-Tooth Neuropathy. Identifiers: Orphanet 166, MedGen C0007959, MONDO:0015626.
Charcot-Marie-Tooth disease type 4C (CMT4C). Also called: Charcot-Marie-Tooth Neuropathy Type 4C (CMT4C); SH3TC2-Related Hereditary Motor and Sensory Neuropathy; CHARCOT-MARIE-TOOTH DISEASE, DEMYELINATING, AUTOSOMAL RECESSIVE, TYPE 4C; CMT 4C; CHARCOT-MARIE-TOOTH DISEASE, DEMYELINATING, TYPE 4C. Identifiers: Orphanet 99949, MedGen C1866636, MONDO:0011113, OMIM 601596.
Susceptibility to mononeuropathy of the median nerve, mild. Also called: CARPAL TUNNEL SYNDROME, SUSCEPTIBILITY TO. Identifiers: MedGen C3150596, MONDO:0013237, OMIM 613353.

Allele frequency attached by ClinVar (database versions not stated): TOPMed 0.00064; gnomAD 0.00078 and 0.00083; ESP Exome Variant Server 0.00092; gnomAD exomes 0.00095 and 0.00114; ExAC 0.00126.
gnomAD v4.1: 1,780 of 1,614,132 alleles (0.11%); highest among the groups gnomAD compares: Non-Finnish European, 0.13%; 2 homozygotes.

Submissions (11):

CeGaT Center for Human Genetics Tuebingen
Classification: Likely benign. Last evaluated: 2026-04-01. Review status: criteria provided, single submitter. Criteria: CeGaT Center For Human Genetics Tuebingen Variant Classification Criteria Version 2. Collection method: clinical testing. Allele origin: germline. Affected: yes. Observed: 8 variant alleles.
Comment: SH3TC2: BP4, BP7

Labcorp Genetics (formerly Invitae), Labcorp
Classification: Likely benign for Charcot-Marie-Tooth disease type 4. Last evaluated: 2026-01-06. Review status: criteria provided, single submitter. Criteria: Invitae Variant Classification Sherloc (09022015). Collection method: clinical testing. Allele origin: germline.

Mayo Clinic Laboratories, Mayo Clinic
Classification: Likely benign. Last evaluated: 2025-05-06. Review status: criteria provided, single submitter. Criteria: ACMG Guidelines, 2015. Collection method: clinical testing. Allele origin: germline. Observed: 4 variant alleles.
Comment: BP4, BP7

PreventionGenetics, part of Exact Sciences
Classification: Likely benign for SH3TC2-related condition. Last evaluated: 2025-01-18. Review status: criteria provided, single submitter. Criteria: ACMG Guidelines, 2015. Collection method: clinical testing. Allele origin: germline.
Comment: This variant is classified as likely benign based on ACMG/AMP sequence variant interpretation guidelines (Richards et al. 2015 PMID: 25741868, with internal and published modifications).

Blueprint Genetics
Classification: Likely benign. Last evaluated: 2024-11-15. Review status: criteria provided, single submitter. Criteria: ACMG Guidelines, 2015. Collection method: clinical testing. Allele origin: germline.

Athena Diagnostics
Classification: Likely benign. Last evaluated: 2021-02-15. Review status: criteria provided, single submitter. Criteria: Athena Diagnostics criteria. Collection method: clinical testing. Allele origin: unknown.

Ambry Genetics
Classification: Likely benign for Inborn genetic diseases. Last evaluated: 2019-07-11. Review status: criteria provided, single submitter. Criteria: Ambry Variant Classification Scheme 2023. Collection method: clinical testing. Allele origin: germline.

GeneDx
Classification: Likely benign. Last evaluated: 2018-12-12. Review status: criteria provided, single submitter. Criteria: GeneDx Variant Classification Process June 2021. Collection method: clinical testing. Allele origin: germline. Affected: yes.

Illumina Laboratory Services, Illumina
Classification: Uncertain significance for Charcot-Marie-Tooth disease type 4C. Last evaluated: 2018-01-13. Review status: criteria provided, single submitter. Criteria: ICSL Variant Classification Criteria 13 December 2019. Collection method: clinical testing. Allele origin: germline.

Illumina Laboratory Services, Illumina
Classification: Likely benign for Susceptibility to mononeuropathy of the median nerve, mild. Last evaluated: 2018-01-13. Review status: criteria provided, single submitter. Criteria: ICSL Variant Classification Criteria 13 December 2019. Collection method: clinical testing. Allele origin: germline.
Comment: This variant was observed in the ICSL laboratory as part of a predisposition screen in an ostensibly healthy population. It had not been previously curated by ICSL or reported in the Human Gene Mutation Database (HGMD: prior to June 1st, 2018), and was therefore a candidate for classification through an automated scoring system. Utilizing variant allele frequency, disease prevalence and penetrance estimates, and inheritance mode, an automated score was calculated to assess if this variant is too frequent to cause the disease. Based on the score and internal cut-off values, a variant classified as likely benign is not then subjected to further curation. The score for this variant resulted in a classification of likely benign for this disease.

Molecular Genetics Laboratory, London Health Sciences Centre
Classification: Likely benign for Charcot-Marie-Tooth disease. Review status: criteria provided, single submitter. Criteria: ACMG Guidelines, 2015. Collection method: clinical testing. Allele origin: germline. Affected: yes.